The following is an entry in ClinVar:

NM_001903.5(CTNNA1):c.1378C>T (p.Leu460Phe)

Gene: CTNNA1 (catenin alpha 1; plus strand). Cytogenetic location: 5q31.2.
Variant type: single nucleotide variant.
Coding change: c.1378C>T on transcript NM_001903.5 (MANE Select); coding-DNA position 1378, C replaced by T.
Protein change: p.Leu460Phe; replaces leucine 460 with phenylalanine.
Molecular consequence: missense variant. On other transcripts: 5 prime UTR variant (4), intron variant (3).
Genome position (GRCh38, 1-based): chr5:138,904,430, C>T. VCF-style: chr5-138904430-C-T. GRCh37 (hg19) VCF-style: chr5-138240119-C-T.
Other names: c.1378C>T, p.Leu460Phe (NM_001290307.3, NM_001323982.2, NM_001323983.1 and 2 more transcripts); c.1069C>T, p.Leu357Phe (NM_001290309.3); c.1009C>T, p.Leu337Phe (NM_001290310.3); c.268C>T, p.Leu90Phe (NM_001290312.1, NM_001323987.1, NM_001323988.1 and 17 more transcripts); c.-130C>T (NM_001324006.1, NM_001324007.1, NM_001324008.1 and 1 more transcripts); c.25C>T, p.Leu9Phe (NM_001324012.1, NM_001324013.1); c.1297-13312C>T (NM_001323986.2); c.187-13312C>T (NM_001324011.1); and 1 more; short protein forms L460F, L357F, L90F, L337F, L9F.
Identifiers: ClinVar variation 1354823 (VCV001354823.9), dbSNP rs1338186632, ClinGen allele CA361136035.

ClinVar aggregate classification (germline): Uncertain significance. Review status: criteria provided, multiple submitters, no conflicts (2 of 4 stars). 2 submissions from 2 submitters: Uncertain significance (2). Last evaluated 2025-12-29.

Allele frequency attached by ClinVar (database versions not stated): gnomAD exomes below 0.00001.
gnomAD v4.1: 5 of 1,613,908 alleles (0.00031%); highest among the groups gnomAD compares: Non-Finnish European, 0.00042%; no homozygotes.

Submissions (2):

Center for Genomic Medicine, Rigshospitalet, Copenhagen University Hospital
Classification: Uncertain significance. Last evaluated: 2025-12-29. Review status: criteria provided, single submitter. Criteria: ACMG Guidelines, 2015. Collection method: clinical testing. Allele origin: germline.

Labcorp Genetics (formerly Invitae), Labcorp
Classification: Uncertain significance. Last evaluated: 2021-07-06. Review status: criteria provided, single submitter. Criteria: Invitae Variant Classification Sherloc (09022015). Collection method: clinical testing. Allele origin: germline.
Comment: In summary, the available evidence is currently insufficient to determine the role of this variant in disease. Therefore, it has been classified as a Variant of Uncertain Significance. Algorithms developed to predict the effect of missense changes on protein structure and function are either unavailable or do not agree on the potential impact of this missense change (SIFT: "Deleterious"; PolyPhen-2: "Probably Damaging"; Align-GVGD: "Class C0"). This variant has not been reported in the literature in individuals affected with CTNNA1-related conditions. This variant is not present in population databases (ExAC no frequency). This sequence change replaces leucine with phenylalanine at codon 460 of the CTNNA1 protein (p.Leu460Phe). The leucine residue is highly conserved and there is a small physicochemical difference between leucine and phenylalanine.